The following is an entry in ClinVar:

ClinVar aggregate classification (germline): Likely benign (1 of 4 stars; one submission).

gnomAD v4.1: 20 of 1,552,172 alleles (0.0013%); highest among the groups gnomAD compares: Non-Finnish European, 0.0017%; no homozygotes.

Submission:

CeGaT Center for Human Genetics Tuebingen
Classification: Likely benign. Last evaluated: 2025-08-01. Review status: criteria provided, single submitter. Criteria: CeGaT Center For Human Genetics Tuebingen Variant Classification Criteria Version 2. Collection method: clinical testing. Allele origin: germline. Affected: yes. Observed: 1 variant allele.
Comment: CUX1: BP4, BP7

NM_181552.4(CUX1):c.15C>T (p.Ala5=)

Gene: CUX1 (cut like homeobox 1; plus strand). Cytogenetic location: 7q22.1.
Variant type: single nucleotide variant.
Coding change: c.15C>T on transcript NM_181552.4 (MANE Select); coding-DNA position 15, C replaced by T.
Protein change: p.Ala5=; no amino-acid change (alanine 5 retained).
Molecular consequence: synonymous variant. On other transcripts: intron variant (6).
Genome position (GRCh38, 1-based): chr7:101,817,654, C>T. VCF-style: chr7-101817654-C-T. GRCh37 (hg19) VCF-style: chr7-101460934-C-T.
Other names: c.63+1561C>T (NM_001913.5, NM_181500.4, NM_001202545.3 and 3 more transcripts).
Identifiers: ClinVar variation 4084648 (VCV004084648.8).